The following is an entry in ClinVar:

ClinVar aggregate classification (germline): Uncertain significance. Review status: reviewed by expert panel (3 of 4 stars). 2 submissions from 2 submitters: Uncertain significance (1). 1 of the submissions does not count toward it. Last evaluated 2025-12-03.

Conditions:
Open-angle glaucoma. Identifiers: MedGen C0017612, MONDO:0005338, HP:0012108.
Glaucoma. Identifiers: MedGen C0017601, MONDO:0005041, HP:0000501.

Submissions (2):

ClinGen Glaucoma Variant Curation Expert Panel
Classification: Uncertain significance for Open-angle glaucoma. Last evaluated: 2025-12-03. Review status: reviewed by expert panel. Criteria: ClinGen Glaucoma ACMG Specifications V2.0.0 Approved. Collection method: curation. Allele origin: germline. Inheritance: Autosomal dominant inheritance.
Comment: The c.823A>T variant in MYOC is predicted to cause a change in the length of the protein due to the insertion of a terminating codon instead of the usual Lysine at amino acid 275 (p.Lys275Ter). This variant is predicted to cause a deletion of ≥ 10% of the protein within the conserved olfactomedin domain, meeting PM4. PVS1 did not apply, as the disease mechanism for MYOC variants associated with primary open angle glaucoma is not loss-of-function. This variant was not found in any genetic ancestry group of gnomAD (v4.1.0), meeting the ≤ 0.0001 threshold set for PM2_Supporting in a genetic ancestry group of at least 10,000 alleles. There was no computational or functional evidence predicting a damaging or benign impact of this variant on MYOC function. Although variant carriers were included in a submission to ClinVar (SCV000297715.1), proband numbers and affection status could not be verified, therefore PS4 was not met. In summary, this variant met the criteria to receive a score of 3 and to be classified as a variant of uncertain significance (uncertain significance classification range -1 to 5, adapted from PMID: 32720330) for primary open angle glaucoma based on the ACMG/AMP criteria met, as specified by the ClinGen Glaucoma VCEP (v2.0.0, 5 Dec 2024): PM4, PM2_Supporting

Department of Zoology, University of the Punjab, Lahore
Classification: risk factor for Glaucoma. Last evaluated: 2016-06-22. Review status: no assertion criteria provided. Collection method: case-control. Allele origin: inherited. Inheritance: Genetic anticipation. Affected: yes. Observed: 87 variant alleles, 87 homozygotes. Not counted in ClinVar's aggregate classification.

NM_000261.2(MYOC):c.823A>T (p.Lys275Ter)

Gene: MYOC (myocilin; minus strand). Cytogenetic location: 1q24.3.
Variant type: single nucleotide variant.
Coding change: c.823A>T on transcript NM_000261.2 (MANE Select); coding-DNA position 823, A replaced by T.
Protein change: p.Lys275Ter; replaces lysine 275 with a stop codon.
Molecular consequence: nonsense.
Genome position (GRCh38, 1-based): chr1:171,636,617, T>A on the plus strand (A>T on the coding strand, the complement: MYOC is on the minus strand). VCF-style: chr1-171636617-T-A. GRCh37 (hg19) VCF-style: chr1-171605757-T-A.
Other names: NM_000261.2(MYOC):c.823A>T; p.Lys275Ter; short protein forms K275*.
Identifiers: ClinVar variation 252960 (VCV000252960.5), dbSNP rs879255525, ClinGen allele CA10586137.
Genomic context (GRCh38, chr1:171,636,617, plus strand): 5'-CATCCGTGCCAACTGTGTCGATTCTCCACGTGGTCTCCTGGGTGTAGGGGTAGGTGGGCT[T>A]GGGGTCTCGCATCCACACACCATACTTGCCAGTAATTGTTTCTGCTGTTCTCAGCGTGAG-3'